The following is an entry in ClinVar:

NM_001128178.3(NPHP1):c.1753T>C (p.Ser585Pro)

Gene: NPHP1 (nephrocystin 1; minus strand). Cytogenetic location: 2q13.
Variant type: single nucleotide variant.
Coding change: c.1753T>C on transcript NM_001128178.3 (MANE Select); coding-DNA position 1753, T replaced by C.
Protein change: p.Ser585Pro; replaces serine 585 with proline.
Molecular consequence: missense variant.
Genome position (GRCh38, 1-based): chr2:110,125,645, A>G on the plus strand (T>C on the coding strand, the complement: NPHP1 is on the minus strand). VCF-style: chr2-110125645-A-G. GRCh37 (hg19) VCF-style: chr2-110883222-A-G.
Other names: c.1921T>C, p.Ser641Pro (NM_000272.5); c.1564T>C, p.Ser522Pro (NM_001128179.3); c.1750T>C, p.Ser584Pro (NM_001374256.1); c.1753T>C, p.Ser585Pro (NM_001374257.1); c.1918T>C, p.Ser640Pro (NM_207181.4); c.1921T>C (NM_000272.3); short protein forms S522P, S585P, S640P, S584P, S641P.
Identifiers: ClinVar variation 1983311 (VCV001983311.5), dbSNP rs2104415458, ClinGen allele CA348086666.

ClinVar aggregate classification (germline): Uncertain significance. Review status: criteria provided, multiple submitters, no conflicts (2 of 4 stars). 2 submissions from 2 submitters: Uncertain significance (2). Last evaluated 2025-01-31.

Conditions:
Inborn genetic diseases. Identifiers: MedGen C0950123, MeSH D030342.
Nephronophthisis. Also called: Juvenile Nephronophthisis. Identifiers: Orphanet 655, MedGen C0687120, MONDO:0019005, HP:0000090.

Submissions (2):

Ambry Genetics
Classification: Uncertain significance for Inborn genetic diseases. Last evaluated: 2025-01-31. Review status: criteria provided, single submitter. Criteria: Ambry Variant Classification Scheme 2023. Collection method: clinical testing. Allele origin: germline.

Labcorp Genetics (formerly Invitae), Labcorp
Classification: Uncertain significance for Nephronophthisis. Last evaluated: 2022-06-04. Review status: criteria provided, single submitter. Criteria: Invitae Variant Classification Sherloc (09022015). Collection method: clinical testing. Allele origin: germline.
Comment: This variant has not been reported in the literature in individuals affected with NPHP1-related conditions. This variant is not present in population databases (gnomAD no frequency). This sequence change replaces serine, which is neutral and polar, with proline, which is neutral and non-polar, at codon 641 of the NPHP1 protein (p.Ser641Pro). Algorithms developed to predict the effect of missense changes on protein structure and function are either unavailable or do not agree on the potential impact of this missense change (SIFT: "Tolerated"; PolyPhen-2: "Probably Damaging"; Align-GVGD: "Class C0"). In summary, the available evidence is currently insufficient to determine the role of this variant in disease. Therefore, it has been classified as a Variant of Uncertain Significance.